The following is an entry in ClinVar:

NM_005228.5(EGFR):c.283A>T (p.Thr95Ser)

Gene: EGFR (epidermal growth factor receptor; plus strand). Cytogenetic location: 7p11.2.
Variant type: single nucleotide variant.
Coding change: c.283A>T on transcript NM_005228.5 (MANE Select); coding-DNA position 283, A replaced by T.
Protein change: p.Thr95Ser; replaces threonine 95 with serine.
Molecular consequence: missense variant. On other transcripts: intron variant (1).
Genome position (GRCh38, 1-based): chr7:55,143,347, A>T. VCF-style: chr7-55143347-A-T. GRCh37 (hg19) VCF-style: chr7-55211040-A-T.
Other names: c.283A>T, p.Thr95Ser (NM_001346897.2, NM_001346898.2, NM_001346899.2 and 3 more transcripts); c.124A>T, p.Thr42Ser (NM_001346900.2); c.89-12483A>T (NM_001346941.2); short protein forms T95S, T42S.
Identifiers: ClinVar variation 1506587 (VCV001506587.8), dbSNP rs35515689, ClinGen allele CA367575706.
Genomic context (GRCh38, chr7:55,143,347, plus strand): 5'-TATGTTTTCTCTTCTTAGACCATCCAGGAGGTGGCTGGTTATGTCCTCATTGCCCTCAAC[A>T]CAGTGGAGCGAATTCCTTTGGAAAACCTGCAGATCATCAGAGGAAATATGTACTACGAAA-3'
Protein context (NP_005219.2, residues 85-105): VAGYVLIALN[Thr95Ser]VERIPLENLQ

ClinVar aggregate classification (germline): Uncertain significance (1 of 4 stars; one submission).

Conditions:
EGFR-related lung cancer (EGFR). Identifiers: MedGen CN130014.

Allele frequency attached by ClinVar (database versions not stated): gnomAD exomes below 0.00001.
gnomAD v4.1: 1 of 1,614,244 alleles (0.000062%); highest among the groups gnomAD compares: Non-Finnish European, 0.000085%; no homozygotes.

Submission:

Labcorp Genetics (formerly Invitae), Labcorp
Classification: Uncertain significance for EGFR-related lung cancer. Last evaluated: 2020-12-07. Review status: criteria provided, single submitter. Criteria: Invitae Variant Classification Sherloc (09022015). Collection method: clinical testing. Allele origin: germline.
Comment: This variant is not present in population databases (ExAC no frequency). This sequence change replaces threonine with serine at codon 95 of the EGFR protein (p.Thr95Ser). The threonine residue is weakly conserved and there is a small physicochemical difference between threonine and serine. This variant has not been reported in the literature in individuals with EGFR-related conditions. Algorithms developed to predict the effect of missense changes on protein structure and function (SIFT, PolyPhen-2, Align-GVGD) all suggest that this variant is likely to be tolerated, but these predictions have not been confirmed by published functional studies and their clinical significance is uncertain. In summary, the available evidence is currently insufficient to determine the role of this variant in disease. Therefore, it has been classified as a Variant of Uncertain Significance.